The following is an entry in ClinVar:

ClinVar aggregate classification (germline): Likely pathogenic (1 of 4 stars; one submission).

Conditions:
Jeune thoracic dystrophy. Also called: Infantile thoracic dystrophy; Thoracic pelvic phalangeal dystrophy; Jeune's syndrome; Chondroectodermal dysplasia-like syndrome; Short-rib thoracic dysplasia; Jeune syndrome. Identifiers: Orphanet 474, MedGen C0265275, MONDO:0018770.

Submission:

Labcorp Genetics (formerly Invitae), Labcorp
Classification: Likely pathogenic for Jeune thoracic dystrophy. Last evaluated: 2022-07-27. Review status: criteria provided, single submitter. Criteria: Invitae Variant Classification Sherloc (09022015). Collection method: clinical testing. Allele origin: germline.
Comment: This sequence change replaces arginine, which is basic and polar, with leucine, which is neutral and non-polar, at codon 330 of the DYNC2H1 protein (p.Arg330Leu). Advanced modeling of protein sequence and biophysical properties (such as structural, functional, and spatial information, amino acid conservation, physicochemical variation, residue mobility, and thermodynamic stability) performed at Invitae indicates that this missense variant is expected to disrupt DYNC2H1 protein function. This variant has not been reported in the literature in individuals affected with DYNC2H1-related conditions. This variant is not present in population databases (gnomAD no frequency). In summary, the currently available evidence indicates that the variant is pathogenic, but additional data are needed to prove that conclusively. Therefore, this variant has been classified as Likely Pathogenic. This variant disrupts the p.Arg330 amino acid residue in DYNC2H1. Other variant(s) that disrupt this residue have been determined to be pathogenic (PMID: 22499340, 23456818, 29068549). This suggests that this residue is clinically significant, and that variants that disrupt this residue are likely to be disease-causing.

Literature cited by the submitters: PubMed 22499340; PubMed 23456818; PubMed 29068549.

NM_001377.3(DYNC2H1):c.989G>T (p.Arg330Leu)

Gene: DYNC2H1 (dynein cytoplasmic 2 heavy chain 1; plus strand). Cytogenetic location: 11q22.3.
Variant type: single nucleotide variant.
Coding change: c.989G>T on transcript NM_001377.3 (MANE Select); coding-DNA position 989, G replaced by T.
Protein change: p.Arg330Leu; replaces arginine 330 with leucine.
Molecular consequence: missense variant.
Genome position (GRCh38, 1-based): chr11:103,117,853, G>T. VCF-style: chr11-103117853-G-T. GRCh37 (hg19) VCF-style: chr11-102988582-G-T.
Other names: c.989G>T, p.Arg330Leu (NM_001080463.2); short protein forms R330L.
Identifiers: ClinVar variation 2178136 (VCV002178136.4), dbSNP rs2496802501, ClinGen allele CA382248578.